The following is an entry in ClinVar:

NM_032237.5(POMK):c.262G>C (p.Gly88Arg)

Gene: POMK (protein O-mannose kinase; plus strand). Cytogenetic location: 8p11.21.
Variant type: single nucleotide variant.
Coding change: c.262G>C on transcript NM_032237.5 (MANE Select); coding-DNA position 262, G replaced by C.
Protein change: p.Gly88Arg; replaces glycine 88 with arginine.
Molecular consequence: missense variant.
Genome position (GRCh38, 1-based): chr8:43,103,810, G>C. VCF-style: chr8-43103810-G-C. GRCh37 (hg19) VCF-style: chr8-42958953-G-C.
Other names: c.262G>C, p.Gly88Arg (NM_001277971.2); short protein forms G88R.
Identifiers: ClinVar variation 3762751 (VCV003762751.2).

ClinVar aggregate classification (germline): Uncertain significance (1 of 4 stars; one submission).

Conditions:
Muscular dystrophy-dystroglycanopathy (congenital with brain and eye anomalies), type a, 12 (MDDGA12). Also called: WALKER-WARBURG SYNDROME OR MUSCLE-EYE-BRAIN DISEASE, POMK-RELATED. Identifiers: Orphanet 899, MedGen C3808964, MONDO:0014101, OMIM 615249.
Limb-girdle muscular dystrophy due to POMK deficiency. Also called: MUSCULAR DYSTROPHY-DYSTROGLYCANOPATHY, LIMB-GIRDLE, POMK-RELATED; Muscular dystrophy-dystroglycanopathy (limb-girdle), type c, 12. Identifiers: Orphanet 445110, MedGen C4015184, MONDO:0014489, OMIM 616094.

gnomAD v4.1: 1 of 1,614,170 alleles (0.000062%); highest among the groups gnomAD compares: Admixed American, 0.0017%; no homozygotes.

Submission:

Labcorp Genetics (formerly Invitae), Labcorp
Classification: Uncertain significance for Muscular dystrophy-dystroglycanopathy (congenital with brain and eye anomalies), type a, 12; Limb-girdle muscular dystrophy due to POMK deficiency. Last evaluated: 2025-01-06. Review status: criteria provided, single submitter. Criteria: Invitae Variant Classification Sherloc (09022015). Collection method: clinical testing. Allele origin: germline.
Comment: This sequence change replaces glycine, which is neutral and non-polar, with arginine, which is basic and polar, at codon 88 of the POMK protein (p.Gly88Arg). This variant is not present in population databases (gnomAD no frequency). This variant has not been reported in the literature in individuals affected with POMK-related conditions. Invitae Evidence Modeling of protein sequence and biophysical properties (such as structural, functional, and spatial information, amino acid conservation, physicochemical variation, residue mobility, and thermodynamic stability) indicates that this missense variant is not expected to disrupt POMK protein function with a negative predictive value of 80%. In summary, the available evidence is currently insufficient to determine the role of this variant in disease. Therefore, it has been classified as a Variant of Uncertain Significance.